The following is an entry in ClinVar:

NM_001009944.3(PKD1):c.8008C>T (p.Gln2670Ter)

Gene: PKD1 (polycystin 1, transient receptor potential channel interacting; minus strand). Cytogenetic location: 16p13.3.
Variant type: single nucleotide variant.
Coding change: c.8008C>T on transcript NM_001009944.3 (MANE Select); coding-DNA position 8008, C replaced by T.
Protein change: p.Gln2670Ter; replaces glutamine 2670 with a stop codon.
Molecular consequence: nonsense.
Genome position (GRCh38, 1-based): chr16:2,105,330, G>A on the plus strand (C>T on the coding strand, the complement: PKD1 is on the minus strand). VCF-style: chr16-2105330-G-A. GRCh37 (hg19) VCF-style: chr16-2155331-G-A.
Other names: c.8008C>T, p.Gln2670Ter (NM_000296.4); short protein forms Q2670*.
Identifiers: ClinVar variation 873361 (VCV000873361.5), dbSNP rs2092301272, ClinGen allele CA394365826.

ClinVar aggregate classification (germline): Pathogenic. Review status: criteria provided, multiple submitters, no conflicts (2 of 4 stars). 3 submissions from 3 submitters: Pathogenic (3). Last evaluated 2024-05-08.

Conditions:
Polycystic kidney disease, adult type (PKD1). Also called: POLYCYSTIC KIDNEY DISEASE 1 WITH OR WITHOUT POLYCYSTIC LIVER DISEASE; Polycystic Kidney Disease 1, Autosomal Dominant; Polycystic kidney disease 1; Polycystic kidney disease 1, severe; Polycystic Kidney, Autosomal Dominant; POLYCYSTIC KIDNEY DISEASE, ADULT, TYPE I. Identifiers: MedGen C3149841, MONDO:0008263, OMIM 173900.

Submissions (3):

Fulgent Genetics
Classification: Pathogenic for Polycystic kidney disease, adult type. Last evaluated: 2024-05-08. Review status: criteria provided, single submitter. Criteria: ACMG Guidelines, 2015. Collection method: clinical testing. Allele origin: germline.

Cavalleri Lab, Royal College of Surgeons in Ireland
Classification: Pathogenic for Polycystic kidney disease, adult type. Last evaluated: 2020-02-05. Review status: criteria provided, single submitter. Criteria: ACMG Guidelines, 2015. Collection method: research. Allele origin: unknown. Inheritance: Autosomal dominant inheritance. Affected: yes.
Comment: PVS1, PM2, PP3, PP4, PP5

Juno Genomics, Hangzhou Juno Genomics, Inc
Classification: Pathogenic for Polycystic kidney disease, adult type. Review status: criteria provided, single submitter. Criteria: ACMG Guidelines, 2015. Collection method: clinical testing. Allele origin: germline. Affected: yes.
Comment: Absent from controls (or at extremely low frequency if recessive) in Genome Aggregation Database, Exome Sequencing Project, 1000 Genomes Project, or Exome Aggregation Consortium.;Null variant in a gene where loss of function (LOF) is a known mechanism of disease.;The prevalence of the variant in affected individuals is significantly increased compared to the prevalence in controls.;Patient's phenotype or family history is highly specific for a disease with a single genetic etiology.